The following is an entry in ClinVar:

NM_000548.5(TSC2):c.5275del (p.Ala1759fs)

Gene: TSC2 (TSC complex subunit 2; plus strand). Cytogenetic location: 16p13.3.
Variant type: Deletion.
Coding change: c.5275del on transcript NM_000548.5 (MANE Select); coding-DNA position 5275, one base deleted (G; older notation c.5275delG).
Protein change: p.Ala1759fs; shifts the reading frame from alanine 1759.
Molecular consequence: frameshift variant. On other transcripts: non-coding transcript variant (5).
Genome position (GRCh38, 1-based): chr16:2,088,461, G deleted. VCF-style (leftmost placement, unchanged base first): chr16-2088460-CG-C. GRCh37 (hg19) VCF-style: chr16-2138461-CG-C.
Other names: c.4606del, p.Ala1536fs (NM_001406683.1, NM_001406682.1); c.4603del, p.Ala1535fs (NM_001406684.1); c.4477del, p.Ala1493fs (NM_001406685.1, NM_001406686.1); c.4474del, p.Ala1492fs (NM_001406687.1, NM_001406688.1); c.3862del, p.Ala1288fs (NM_001406689.1); c.3802del, p.Ala1268fs (NM_001406690.1); c.3799del, p.Ala1267fs (NM_001406691.1); c.5065del, p.Ala1689fs (NM_001406671.1); and 27 more; short protein forms A1244fs, A1245fs, A1535fs, A1536fs, A1559fs, A1673fs, A1689fs, A1703fs.
Identifiers: ClinVar variation 5031412 (VCV005031412.1).

ClinVar aggregate classification (germline): Likely pathogenic (1 of 4 stars; one submission).

Conditions:
Hereditary cancer-predisposing syndrome. Also called: Neoplastic Syndromes, Hereditary; Tumor predisposition; Hereditary neoplastic syndrome; Hereditary Cancer Syndrome. Identifiers: Orphanet 140162, MedGen C0027672, MeSH D009386, MONDO:0015356.

Submission:

Ambry Genetics
Classification: Likely pathogenic for Hereditary cancer-predisposing syndrome. Last evaluated: 2026-09-11. Review status: criteria provided, single submitter. Criteria: Ambry Variant Classification Scheme 2023. Collection method: clinical testing. Allele origin: germline.
Comment: The c.5275delG variant, located in coding exon 41 of the TSC2 gene, results from a deletion of one nucleotide at nucleotide position 5275, causing a translational frameshift with a predicted alternate stop codon (p.A1759Pfs*67). This variant occurs at the 3' terminus of thegene, is not expected to trigger nonsense-mediated mRNAdecay and results in the elongation of the protein by 17 amino acids. This frameshift impacts the last 2.7%amino acids of the native protein. However, frameshifts are typically deleterious in nature and the impacted region is critical for protein function (Ambry internal data). This variant was reported in individual(s) with features consistent with tuberous sclerosis complex (Ambry internal data). This variant is considered to be rare based on population cohorts in the Genome Aggregation Database (gnomAD). Based on the majority of available evidence to date, this variant is likely to be pathogenic.